The following is an entry in ClinVar:

ClinVar aggregate classification (germline): Uncertain significance (1 of 4 stars; one submission).

Conditions:
46,XY sex reversal 9 (SRXY9). Also called: 46,XY SEX REVERSAL, ZFPM2-RELATED. Identifiers: Orphanet 251510, MedGen C4015129, MONDO:0014480, OMIM 616067.

Submission:

Labcorp Genetics (formerly Invitae), Labcorp
Classification: Uncertain significance for 46,XY sex reversal 9. Last evaluated: 2022-02-25. Review status: criteria provided, single submitter. Criteria: Invitae Variant Classification Sherloc (09022015). Collection method: clinical testing. Allele origin: germline.
Comment: In summary, the available evidence is currently insufficient to determine the role of this variant in disease. Therefore, it has been classified as a Variant of Uncertain Significance. Algorithms developed to predict the effect of missense changes on protein structure and function (SIFT, PolyPhen-2, Align-GVGD) all suggest that this variant is likely to be tolerated. This variant has not been reported in the literature in individuals affected with ZFPM2-related conditions. This variant is not present in population databases (gnomAD no frequency). This sequence change replaces valine, which is neutral and non-polar, with leucine, which is neutral and non-polar, at codon 1042 of the ZFPM2 protein (p.Val1042Leu).

NM_012082.4(ZFPM2):c.3124G>T (p.Val1042Leu)

Genes: ZFPM2 (zinc finger protein, FOG family member 2; plus strand), ZFPM2-AS1 (ZFPM2 antisense RNA 1; minus strand), LOC126860469 (BRD4-independent group 4 enhancer GRCh37_chr8:106814445-106815644; plus strand). Cytogenetic location: 8q23.1.
Variant type: single nucleotide variant.
Coding change: c.3124G>T on transcript NM_012082.4 (MANE Select); coding-DNA position 3124, G replaced by T.
Protein change: p.Val1042Leu; replaces valine 1042 with leucine.
Molecular consequence: missense variant.
Genome position (GRCh38, 1-based): chr8:105,803,206, G>T. VCF-style: chr8-105803206-G-T. GRCh37 (hg19) VCF-style: chr8-106815434-G-T.
Other names: c.2965G>T, p.Val989Leu (NM_001362836.2); c.2728G>T, p.Val910Leu (NM_001362837.2); short protein forms V910L, V989L, V1042L.
Identifiers: ClinVar variation 1945663 (VCV001945663.5), dbSNP rs545237723, ClinGen allele CA371956627.